The following is an entry in ClinVar:

NM_173354.5(SIK1):c.853C>A (p.Pro285Thr)

Gene: SIK1 (salt inducible kinase 1; minus strand). Cytogenetic location: 21q22.3.
Variant type: single nucleotide variant.
Coding change: c.853C>A on transcript NM_173354.5 (MANE Select); coding-DNA position 853, C replaced by A.
Protein change: p.Pro285Thr; replaces proline 285 with threonine.
Molecular consequence: missense variant.
Genome position (GRCh38, 1-based): chr21:43,420,353, G>T on the plus strand (C>A on the coding strand, the complement: SIK1 is on the minus strand). VCF-style: chr21-43420353-G-T. GRCh37 (hg19) VCF-style: chr21-44840233-G-T.
Other names: short protein forms P285T.
Identifiers: ClinVar variation 3902535 (VCV003902535.1).

ClinVar aggregate classification (germline): Uncertain significance (1 of 4 stars; one submission).

Submission:

Women's Health and Genetics/Laboratory Corporation of America, LabCorp
Classification: Uncertain significance. Last evaluated: 2025-05-05. Review status: criteria provided, single submitter. Criteria: LabCorp Variant Classification Summary - May 2015. Collection method: clinical testing. Allele origin: germline.
Comment: Variant summary: SIK1 c.853C>A (p.Pro285Thr) results in a non-conservative amino acid change in the encoded protein sequence. Algorithms developed to predict the effect of missense changes on protein structure and function are either unavailable or do not agree on the potential impact of this missense change. The variant was absent in 246682 control chromosomes. The available data on variant occurrences in the general population are insufficient to allow any conclusion about variant significance. To our knowledge, no occurrence of c.853C>A in individuals affected with Developmental And Epileptic Encephalopathy, 30 and no experimental evidence demonstrating its impact on protein function have been reported. No submitters have cited clinical-significance assessments for this variant to ClinVar. Based on the evidence outlined above, the variant was classified as uncertain significance.